The following is an entry in ClinVar:

NM_006567.5(FARS2):c.1156C>T (p.Arg386Ter)

Gene: FARS2 (phenylalanyl-tRNA synthetase 2, mitochondrial; plus strand). Cytogenetic location: 6p25.1.
Variant type: single nucleotide variant.
Coding change: c.1156C>T on transcript NM_006567.5 (MANE Select); coding-DNA position 1156, C replaced by T.
Protein change: p.Arg386Ter; replaces arginine 386 with a stop codon.
Molecular consequence: nonsense.
Genome position (GRCh38, 1-based): chr6:5,613,259, C>T. VCF-style: chr6-5613259-C-T. GRCh37 (hg19) VCF-style: chr6-5613492-C-T.
Other names: c.1156C>T, p.Arg386Ter (NM_001318872.2, NM_001374875.1, NM_001374876.1 and 4 more transcripts); c.1024C>T, p.Arg342Ter (NM_001375258.1); c.460C>T, p.Arg154Ter (NM_001375259.1, NM_001375260.1); c.1156C>T (NM_006567.3); short protein forms R154*, R342*, R386*.
Identifiers: ClinVar variation 1073793 (VCV001073793.10), dbSNP rs770597592, ClinGen allele CA3623896.

ClinVar aggregate classification (germline): Pathogenic/Likely pathogenic. Review status: criteria provided, multiple submitters, no conflicts (2 of 4 stars). 3 submissions from 3 submitters: Pathogenic (2); Likely pathogenic (1). Last evaluated 2026-09-11.

Conditions:
Combined oxidative phosphorylation defect type 14. Also called: Combined oxidative phosphorylation deficiency 14. Identifiers: Orphanet 319519, MedGen C4755312, MONDO:0013986, OMIM 614946.
FARS2-related disorder. Also called: FARS2-related disorders; FARS2-related condition.

Allele frequency attached by ClinVar (database versions not stated): ExAC 0.00001; gnomAD 0.00001; gnomAD exomes 0.00001; TOPMed 0.00005.
gnomAD v4.1: 13 of 1,613,180 alleles (0.00081%); highest among the groups gnomAD compares: African/African-American, 0.0027%; no homozygotes.

Submissions (3):

GeneDx
Classification: Likely pathogenic. Last evaluated: 2026-09-11. Review status: criteria provided, single submitter. Criteria: GeneDx Variant Classification Process June 2021. Collection method: clinical testing. Allele origin: germline.
Comment: Nonsense variant predicted to result in protein truncation or nonsense mediated decay in a gene for which loss of function is a known mechanism of disease; Not observed at significant frequency in large population cohorts (gnomAD); This variant is associated with the following publications: (PMID: 29691679)

Labcorp Genetics (formerly Invitae), Labcorp
Classification: Pathogenic for Combined oxidative phosphorylation defect type 14. Last evaluated: 2024-10-24. Review status: criteria provided, single submitter. Criteria: Invitae Variant Classification Sherloc (09022015). Collection method: clinical testing. Allele origin: germline.
Comment: This sequence change creates a premature translational stop signal (p.Arg386*) in the FARS2 gene. It is expected to result in an absent or disrupted protein product. Loss-of-function variants in FARS2 are known to be pathogenic (PMID: 22833457). This variant is present in population databases (rs770597592, gnomAD 0.004%). This variant has not been reported in the literature in individuals affected with FARS2-related conditions. ClinVar contains an entry for this variant (Variation ID: 1073793). For these reasons, this variant has been classified as Pathogenic.

Women's Health and Genetics/Laboratory Corporation of America, LabCorp
Classification: Pathogenic for FARS2-Related Disorders. Last evaluated: 2024-01-30. Review status: criteria provided, single submitter. Criteria: LabCorp Variant Classification Summary - May 2015. Collection method: clinical testing. Allele origin: germline.
Comment: Variant summary: FARS2 c.1156C>T (p.Arg386X) results in a premature termination codon, predicted to cause absence of the protein due to nonsense mediated decay, which is a commonly known mechanism for disease. The variant allele was found at a frequency of 1.2e-05 in 251120 control chromosomes. c.1156C>T has been reported in the literature as a single heterozygous variant of FARS2 in an individual affected with complex hereditary Sensory Neuropathy (Travaglini_2018). These report(s) do not provide unequivocal conclusions about association of the variant with FARS2-Related Disorders. To our knowledge, no experimental evidence demonstrating an impact on protein function has been reported. The following publication have been ascertained in the context of this evaluation (PMID: 29691679). ClinVar contains an entry for this variant (Variation ID: 1073793). Based on the evidence outlined above, the variant was classified as pathogenic.

Literature cited by the submitters: PubMed 22833457 (cited by Labcorp Genetics (formerly Invitae), Labcorp); PubMed 29691679 (cited by Women's Health and Genetics/Laboratory Corporation of America, LabCorp).